The following is an entry in ClinVar:

NM_000535.7(PMS2):c.1301C>T (p.Pro434Leu)

Gene: PMS2 (PMS1 homolog 2, mismatch repair system component; minus strand). Cytogenetic location: 7p22.1.
Variant type: single nucleotide variant.
Coding change: c.1301C>T on transcript NM_000535.7 (MANE Select); coding-DNA position 1301, C replaced by T.
Protein change: p.Pro434Leu; replaces proline 434 with leucine.
Molecular consequence: missense variant. On other transcripts: non-coding transcript variant (1).
Genome position (GRCh38, 1-based): chr7:5,987,464, G>A on the plus strand (C>T on the coding strand, the complement: PMS2 is on the minus strand). VCF-style: chr7-5987464-G-A. GRCh37 (hg19) VCF-style: chr7-6027095-G-A.
Other names: c.896C>T, p.Pro299Leu (NM_001322003.2, NM_001322004.2, NM_001322005.2 and 1 more transcripts); c.1145C>T, p.Pro382Leu (NM_001322006.2); c.983C>T, p.Pro328Leu (NM_001322007.2, NM_001322008.2); c.740C>T, p.Pro247Leu (NM_001322010.2); c.368C>T, p.Pro123Leu (NM_001322011.2, NM_001322012.2); c.728C>T, p.Pro243Leu (NM_001322013.2); c.1301C>T, p.Pro434Leu (NM_001322014.2); c.992C>T, p.Pro331Leu (NM_001322015.2); short protein forms P434L, P247L, P123L, P243L, P299L, P328L, P331L, P382L.
Identifiers: ClinVar variation 525869 (VCV000525869.10), dbSNP rs1554297919, ClinGen allele CA366742379.

ClinVar aggregate classification (germline): Uncertain significance (1 of 4 stars; one submission).

Conditions:
Hereditary nonpolyposis colorectal neoplasms. Identifiers: MedGen C0009405, MeSH D003123.

Submission:

Labcorp Genetics (formerly Invitae), Labcorp
Classification: Uncertain significance for Hereditary nonpolyposis colorectal neoplasms. Last evaluated: 2019-12-11. Review status: criteria provided, single submitter. Criteria: Invitae Variant Classification Sherloc (09022015). Collection method: clinical testing. Allele origin: germline.
Comment: This variant is not present in population databases (ExAC no frequency). This sequence change replaces proline with leucine at codon 434 of the PMS2 protein (p.Pro434Leu). The proline residue is weakly conserved and there is a moderate physicochemical difference between proline and leucine. This variant has not been reported in the literature in individuals with PMS2-related disease. Algorithms developed to predict the effect of missense changes on protein structure and function (SIFT, PolyPhen-2, Align-GVGD) all suggest that this variant is likely to be tolerated, but these predictions have not been confirmed by published functional studies and their clinical significance is uncertain. In summary, the available evidence is currently insufficient to determine the role of this variant in disease. Therefore, it has been classified as a Variant of Uncertain Significance.